The following is an entry in ClinVar:

ClinVar aggregate classification (germline): Uncertain significance (1 of 4 stars; one submission).

Conditions:
KBG syndrome (KBGS). Also called: ANKRD11-Related KBG Syndrome. Identifiers: Orphanet 2332, MedGen C0220687, MONDO:0007846, OMIM 148050.

gnomAD v4.1: 30 of 1,613,942 alleles (0.0019%); highest among the groups gnomAD compares: Non-Finnish European, 0.0025%; no homozygotes.

Submission:

Labcorp Genetics (formerly Invitae), Labcorp
Classification: Uncertain significance for KBG syndrome. Last evaluated: 2024-12-16. Review status: criteria provided, single submitter. Criteria: Invitae Variant Classification Sherloc (09022015). Collection method: clinical testing. Allele origin: germline.
Comment: This sequence change replaces valine, which is neutral and non-polar, with isoleucine, which is neutral and non-polar, at codon 1555 of the ANKRD11 protein (p.Val1555Ile). This variant is present in population databases (rs545166190, gnomAD 0.003%). This variant has not been reported in the literature in individuals affected with ANKRD11-related conditions. Invitae Evidence Modeling of protein sequence and biophysical properties (such as structural, functional, and spatial information, amino acid conservation, physicochemical variation, residue mobility, and thermodynamic stability) indicates that this missense variant is not expected to disrupt ANKRD11 protein function with a negative predictive value of 95%. In summary, the available evidence is currently insufficient to determine the role of this variant in disease. Therefore, it has been classified as a Variant of Uncertain Significance.

NM_013275.6(ANKRD11):c.4663G>A (p.Val1555Ile)

Gene: ANKRD11 (ankyrin repeat domain 11; minus strand). Cytogenetic location: 16q24.3.
Variant type: single nucleotide variant.
Coding change: c.4663G>A on transcript NM_013275.6 (MANE Select); coding-DNA position 4663, G replaced by A.
Protein change: p.Val1555Ile; replaces valine 1555 with isoleucine.
Molecular consequence: missense variant.
Genome position (GRCh38, 1-based): chr16:89,281,879, C>T on the plus strand (G>A on the coding strand, the complement: ANKRD11 is on the minus strand). VCF-style: chr16-89281879-C-T. GRCh37 (hg19) VCF-style: chr16-89348287-C-T.
Other names: c.4663G>A, p.Val1555Ile (NM_001256182.2, NM_001256183.2); short protein forms V1555I.
Identifiers: ClinVar variation 3636923 (VCV003636923.2).